The following is an entry in ClinVar:

NM_006015.6(ARID1A):c.472C>T (p.Pro158Ser)

Gene: ARID1A (AT-rich interaction domain 1A; plus strand). Cytogenetic location: 1p36.11.
Variant type: single nucleotide variant.
Coding change: c.472C>T on transcript NM_006015.6 (MANE Select); coding-DNA position 472, C replaced by T.
Protein change: p.Pro158Ser; replaces proline 158 with serine.
Molecular consequence: missense variant.
Genome position (GRCh38, 1-based): chr1:26,696,875, C>T. VCF-style: chr1-26696875-C-T. GRCh37 (hg19) VCF-style: chr1-27023366-C-T.
Other names: c.472C>T, p.Pro158Ser (NM_139135.4); c.472C>T (LRG_875t1); short protein forms P158S.
Identifiers: ClinVar variation 376870 (VCV000376870.44), dbSNP rs567246585, ClinGen allele CA706595.
Genomic context (GRCh38, chr1:26,696,875, plus strand): 5'-TCAGCCGCGGCCGCCTTGCCGCCCCCAGCCTACGGCTTCGGGCAACCCTACGGCCGGAGC[C>T]CGTCTGCCGTCGCCGCCGCCGCGGCCGCCGTCTTCCACCAACAACATGGCGGACAACAAA-3'
Protein context (NP_006006.3, residues 148-168): YGFGQPYGRS[Pro158Ser]SAVAAAAAAV

ClinVar aggregate classification (germline): Benign/Likely benign. Review status: criteria provided, multiple submitters, no conflicts (2 of 4 stars). 8 submissions from 8 submitters: Benign (5); Likely benign (3). Last evaluated 2025-12-13.

Conditions:
Coffin-Siris syndrome. Identifiers: Orphanet 1465, MedGen C0265338, MONDO:0015452.
Intellectual disability, autosomal dominant 14 (CSS2). Also called: COFFIN-SIRIS SYNDROME 2. Identifiers: Orphanet 1465, MedGen C3553247, MONDO:0013819, OMIM 614607.

Allele frequency attached by ClinVar (database versions not stated): 1000 Genomes Project 0.00040; gnomAD exomes 0.00070; 1000 Genomes Project 30x 0.00078; TOPMed 0.00080; gnomAD 0.00087 and 0.00088; ExAC 0.00364.
gnomAD v4.1: 1,863 of 1,360,252 alleles (0.14%); highest among the groups gnomAD compares: Non-Finnish European, 0.17%; 1 homozygote.

Submissions (8):

Labcorp Genetics (formerly Invitae), Labcorp
Classification: Benign. Last evaluated: 2025-12-13. Review status: criteria provided, single submitter. Criteria: Invitae Variant Classification Sherloc (09022015). Collection method: clinical testing. Allele origin: germline.

CeGaT Center for Human Genetics Tuebingen
Classification: Likely benign. Last evaluated: 2025-09-01. Review status: criteria provided, single submitter. Criteria: CeGaT Center For Human Genetics Tuebingen Variant Classification Criteria Version 2. Collection method: clinical testing. Allele origin: germline. Affected: yes. Observed: 4 variant alleles.
Comment: ARID1A: BS1

Blueprint Genetics
Classification: Benign. Last evaluated: 2024-11-13. Review status: criteria provided, single submitter. Criteria: ACMG Guidelines, 2015. Collection method: clinical testing. Allele origin: germline.

Genome-Nilou Lab
Classification: Benign for Intellectual disability, autosomal dominant 14. Last evaluated: 2021-12-05. Review status: criteria provided, single submitter. Criteria: ACMG Guidelines, 2015. Collection method: clinical testing. Allele origin: germline. Affected: no.

GeneDx
Classification: Benign. Last evaluated: 2021-05-05. Review status: criteria provided, single submitter. Criteria: GeneDx Variant Classification Process June 2021. Collection method: clinical testing. Allele origin: germline. Affected: yes.

Genetic Services Laboratory, University of Chicago
Classification: Benign. Last evaluated: 2021-04-21. Review status: criteria provided, single submitter. Criteria: ACMG Guidelines, 2015. Collection method: clinical testing. Allele origin: germline. Affected: no.

Department of Pathology and Laboratory Medicine, Sinai Health System
Classification: Likely benign for Coffin-Siris syndrome. Last evaluated: 2020-06-15. Review status: criteria provided, single submitter. Criteria: ACMG Guidelines, 2015. Collection method: research. Allele origin: germline.

Center for Pediatric Genomic Medicine, Children's Mercy Hospital and Clinics
Classification: Likely benign. Last evaluated: 2016-07-15. Review status: criteria provided, single submitter. Criteria: ACMG Guidelines, 2015. Collection method: clinical testing. Allele origin: germline.
ClinVar note: Converted during submission from Likely Benign to Likely benign.